The following is an entry in ClinVar:

ClinVar aggregate classification (germline): Benign (1 of 4 stars; one submission).

Conditions:
Immunodeficiency 19 (IMD19). Also called: CD3-DELTA DEFICIENCY; SEVERE COMBINED IMMUNODEFICIENCY, T CELL-NEGATIVE, B CELL-POSITIVE, NK CELL-POSITIVE; SCID, T CELL-NEGATIVE, B CELL-POSITIVE, NK CELL-POSITIVE; IMMUNODEFICIENCY 19, SEVERE COMBINED. Identifiers: MedGen C3810147, MONDO:0014280, OMIM 615617.

Allele frequency attached by ClinVar (database versions not stated): gnomAD exomes 0.00064; 1000 Genomes Project 0.00499; 1000 Genomes Project 30x 0.00547; ESP Exome Variant Server 0.00657; gnomAD 0.00657 and 0.00716; TOPMed 0.00734.
gnomAD v4.1: 1,846 of 1,411,384 alleles (0.13%); highest among the groups gnomAD compares: African/African-American, 2.3%; 14 homozygotes.

Submission:

Illumina Laboratory Services, Illumina
Classification: Benign for Immunodeficiency 19. Last evaluated: 2018-01-13. Review status: criteria provided, single submitter. Criteria: ICSL Variant Classification Criteria 13 December 2019. Collection method: clinical testing. Allele origin: germline.
Comment: This variant was observed in the ICSL laboratory as part of a predisposition screen in an ostensibly healthy population. It had not been previously curated by ICSL or reported in the Human Gene Mutation Database (HGMD: prior to June 1st, 2018), and was therefore a candidate for classification through an automated scoring system. Utilizing variant allele frequency, disease prevalence and penetrance estimates, and inheritance mode, an automated score was calculated to assess if this variant is too frequent to cause the disease. Based on the score and internal cut-off values, a variant classified as benign is not then subjected to further curation. The score for this variant resulted in a classification of benign for this disease.

NM_000732.6(CD3D):c.*59C>T

Gene: CD3D (CD3 delta subunit of T-cell receptor complex; minus strand). Cytogenetic location: 11q23.3.
Variant type: single nucleotide variant.
Coding change: c.*59C>T on transcript NM_000732.6 (MANE Select); 59 bases downstream of the stop codon, C replaced by T.
Molecular consequence: 3 prime UTR variant.
Genome position (GRCh38, 1-based): chr11:118,339,103, G>A on the plus strand (C>T on the coding strand, the complement: CD3D is on the minus strand). VCF-style: chr11-118339103-G-A. GRCh37 (hg19) VCF-style: chr11-118209818-G-A.
Other names: c.*59C>T (NM_001040651.2).
Identifiers: ClinVar variation 302669 (VCV000302669.5), dbSNP rs113271462, ClinGen allele CA10637742.